The following is an entry in ClinVar:

ClinVar aggregate classification (germline): Pathogenic (1 of 4 stars; one submission).

Conditions:
Hereditary spastic paraplegia 15 (SPG15). Also called: SPASTIC PARAPLEGIA 15, AUTOSOMAL RECESSIVE; KJELLIN SYNDROME; SPASTIC PARAPLEGIA AND RETINAL DEGENERATION. Identifiers: Orphanet 100996, MedGen C1849128, MONDO:0010044, OMIM 270700.

Submission:

Myriad Genetics, Inc.
Classification: Pathogenic for Hereditary spastic paraplegia 15. Last evaluated: 2025-02-16. Review status: criteria provided, single submitter. Criteria: Myriad Autosomal Dominant, Autosomal Recessive and X-Linked Classification Criteria (2023). Collection method: clinical testing. Allele origin: unknown.
Comment: NM_015346.3(ZFYVE26):c.5280del1ins8(R1761Gfs*24) is expected to be pathogenic in the context of spastic paraplegia type 15. This variant is predicted to lead to an abnormal or absent protein product due to the creation of a premature termination codon in ZFYVE26, a gene where loss-of-function variants are known to be pathogenic. Please note: this variant was assessed in the context of healthy population screening.

NM_015346.4(ZFYVE26):c.5280delinsGGGATCCG (p.Arg1761fs)

Gene: ZFYVE26 (zinc finger FYVE-type containing 26; minus strand). Cytogenetic location: 14q24.1.
Variant type: Indel.
Coding change: c.5280delinsGGGATCCG on transcript NM_015346.4 (MANE Select); coding-DNA position 5280, T replaced by GGGATCCG.
Protein change: p.Arg1761fs; shifts the reading frame from arginine 1761.
Molecular consequence: frameshift variant.
Genome position (GRCh38, 1-based): chr14:67,775,056, A replaced by CGGATCCC on the plus strand (T replaced by GGGATCCG on the coding strand, the reverse complement: ZFYVE26 is on the minus strand). VCF-style: chr14-67775056-A-CGGATCCC. GRCh37 (hg19) VCF-style: chr14-68241773-A-CGGATCCC.
Other names: short protein forms R1761fs.
Identifiers: ClinVar variation 5014102 (VCV005014102.1).